The following is an entry in ClinVar:

ClinVar aggregate classification (germline): Uncertain significance (1 of 4 stars; one submission).

Conditions:
Blau syndrome (BLAUS). Also called: GRANULOMATOSIS, FAMILIAL JUVENILE SYSTEMIC; GRANULOMATOSIS, FAMILIAL, BLAU TYPE; GRANULOMATOUS INFLAMMATORY ARTHRITIS, DERMATITIS, AND UVEITIS, FAMILIAL; JABS SYNDROME; ARTHROCUTANEOUVEAL GRANULOMATOSIS. Identifiers: Orphanet 90340, MedGen C5201146, MONDO:0008523, OMIM 186580.
Regional enteritis. Also called: Enteritis, Granulomatous. Identifiers: MedGen C0678202, MeSH D003424.

Allele frequency attached by ClinVar (database versions not stated): TOPMed below 0.00001.

Submission:

Labcorp Genetics (formerly Invitae), Labcorp
Classification: Uncertain significance for Regional enteritis; Blau syndrome. Last evaluated: 2019-11-03. Review status: criteria provided, single submitter. Criteria: Invitae Variant Classification Sherloc (09022015). Collection method: clinical testing. Allele origin: germline.
Comment: This sequence change replaces glycine with valine at codon 815 of the NOD2 protein (p.Gly815Val). The glycine residue is moderately conserved and there is a moderate physicochemical difference between glycine and valine. This variant is not present in population databases (ExAC no frequency). This variant has not been reported in the literature in individuals with NOD2-related conditions. Algorithms developed to predict the effect of missense changes on protein structure and function are either unavailable or do not agree on the potential impact of this missense change (SIFT: "Deleterious"; PolyPhen-2: "Benign"; Align-GVGD: "Class C0"). In summary, the available evidence is currently insufficient to determine the role of this variant in disease. Therefore, it has been classified as a Variant of Uncertain Significance.

NM_001370466.1(NOD2):c.2363G>T (p.Gly788Val)

Gene: NOD2 (nucleotide binding oligomerization domain containing 2; plus strand). Cytogenetic location: 16q12.1.
Variant type: single nucleotide variant.
Coding change: c.2363G>T on transcript NM_001370466.1 (MANE Select); coding-DNA position 2363, G replaced by T.
Protein change: p.Gly788Val; replaces glycine 788 with valine.
Molecular consequence: missense variant. On other transcripts: non-coding transcript variant (1).
Genome position (GRCh38, 1-based): chr16:50,712,355, G>T. VCF-style: chr16-50712355-G-T. GRCh37 (hg19) VCF-style: chr16-50746266-G-T.
Other names: c.2363G>T, p.Gly788Val (NM_001293557.2); c.2444G>T, p.Gly815Val (NM_022162.3); short protein forms G815V, G788V.
Identifiers: ClinVar variation 970293 (VCV000970293.10), dbSNP rs1964577394, ClinGen allele CA395872323.